The following is an entry in ClinVar:

NM_001085487.3(MYSM1):c.2186T>C (p.Val729Ala)

Gene: MYSM1 (Myb like, SWIRM and MPN domains 1; minus strand). Cytogenetic location: 1p32.1.
Variant type: single nucleotide variant.
Coding change: c.2186T>C on transcript NM_001085487.3 (MANE Select); coding-DNA position 2186, T replaced by C.
Protein change: p.Val729Ala; replaces valine 729 with alanine.
Molecular consequence: missense variant.
Genome position (GRCh38, 1-based): chr1:58,661,490, A>G on the plus strand (T>C on the coding strand, the complement: MYSM1 is on the minus strand). VCF-style: chr1-58661490-A-G. GRCh37 (hg19) VCF-style: chr1-59127162-A-G.
Other names: short protein forms V729A.
Identifiers: ClinVar variation 4116229 (VCV004116229.2).
Genomic context (GRCh38, chr1:58,661,490, plus strand): 5'-ATTATCCATCTTGTCTTTTCAAATACTAATCCCCACTGAGGTTCTTCTAACATCTGCTGT[A>G]CTTCAAATTTGTAAGGTAAGCCTAGAAAAGCATAAAGAAGCACATTGTCATCAACTATTT-3'
Protein context (NP_001078956.1, residues 719-739): GSYRLPYKFE[Val729Ala]QQMLEEPQWG

ClinVar aggregate classification (germline): Uncertain significance. Review status: criteria provided, multiple submitters, no conflicts (2 of 4 stars). 2 submissions from 2 submitters: Uncertain significance (2). Last evaluated 2025-09-04.

Conditions:
Inborn genetic diseases. Identifiers: MedGen C0950123, MeSH D030342.

Submissions (2):

Ambry Genetics
Classification: Uncertain significance for Inborn genetic diseases. Last evaluated: 2025-09-04. Review status: criteria provided, single submitter. Criteria: Ambry Variant Classification Scheme 2023. Collection method: clinical testing. Allele origin: germline.

Labcorp Genetics (formerly Invitae), Labcorp
Classification: Uncertain significance. Last evaluated: 2025-07-24. Review status: criteria provided, single submitter. Criteria: Invitae Variant Classification Sherloc (09022015). Collection method: clinical testing. Allele origin: germline.
Comment: This sequence change replaces valine, which is neutral and non-polar, with alanine, which is neutral and non-polar, at codon 729 of the MYSM1 protein (p.Val729Ala). This variant is not present in population databases (gnomAD no frequency). This variant has not been reported in the literature in individuals affected with MYSM1-related conditions. Invitae Evidence Modeling of protein sequence and biophysical properties (such as structural, functional, and spatial information, amino acid conservation, physicochemical variation, residue mobility, and thermodynamic stability) indicates that this missense variant is not expected to disrupt MYSM1 protein function with a negative predictive value of 80%. In summary, the available evidence is currently insufficient to determine the role of this variant in disease. Therefore, it has been classified as a Variant of Uncertain Significance.